The following is an entry in ClinVar:

NM_001034853.2(RPGR):c.179G>C (p.Gly60Ala)

Gene: RPGR (retinitis pigmentosa GTPase regulator; minus strand). Cytogenetic location: Xp11.4.
Variant type: single nucleotide variant.
Coding change: c.179G>C on transcript NM_001034853.2 (MANE Select); coding-DNA position 179, G replaced by C.
Protein change: p.Gly60Ala; replaces glycine 60 with alanine.
Molecular consequence: missense variant. On other transcripts: non-coding transcript variant (6).
Genome position (GRCh38, 1-based): chrX:38,322,921, C>G on the plus strand (G>C on the coding strand, the complement: RPGR is on the minus strand). VCF-style: chrX-38322921-C-G. GRCh37 (hg19) VCF-style: chrX-38182174-C-G.
Other names: c.179G>C, p.Gly60Ala (NM_001367245.1, NM_001367246.1, NM_001367247.1 and 4 more transcripts); c.209G>C, p.Gly70Ala (NM_001367248.1); short protein forms G70A, G60A.
Identifiers: ClinVar variation 4746275 (VCV004746275.1).

ClinVar aggregate classification (germline): Likely pathogenic (1 of 4 stars; one submission).

Conditions:
Primary ciliary dyskinesia. Also called: Ciliary dyskinesia. Identifiers: Orphanet 244, MedGen C0008780, MONDO:0016575, HP:0012265.

Submission:

Labcorp Genetics (formerly Invitae), Labcorp
Classification: Likely pathogenic for Primary ciliary dyskinesia. Last evaluated: 2025-08-17. Review status: criteria provided, single submitter. Criteria: Invitae Variant Classification Sherloc (09022015). Collection method: clinical testing. Allele origin: germline.
Comment: This sequence change replaces glycine, which is neutral and non-polar, with alanine, which is neutral and non-polar, at codon 60 of the RPGR protein (p.Gly60Ala). This variant is not present in population databases (gnomAD no frequency). This variant has not been reported in the literature in individuals affected with RPGR-related conditions. Invitae Evidence Modeling of protein sequence and biophysical properties (such as structural, functional, and spatial information, amino acid conservation, physicochemical variation, residue mobility, and thermodynamic stability) indicates that this missense variant is expected to disrupt RPGR protein function with a positive predictive value of 95%. This variant disrupts the p.Gly60 amino acid residue in RPGR. Other variant(s) that disrupt this residue have been determined to be pathogenic (PMID: 9399904, 9855162, 10937588, 19815619, 20631154). This suggests that this residue is clinically significant, and that variants that disrupt this residue are likely to be disease-causing. In summary, the currently available evidence indicates that the variant is pathogenic, but additional data are needed to prove that conclusively. Therefore, this variant has been classified as Likely Pathogenic.

Literature cited by the submitters: PubMed 9399904; PubMed 9855162; PubMed 10937588; PubMed 19815619; PubMed 20631154.